The following is an entry in ClinVar:

NM_001353694.2(TIAM1):c.2380A>C (p.Ile794Leu)

Gene: TIAM1 (TIAM Rac1 associated GEF 1; minus strand). Cytogenetic location: 21q22.11.
Variant type: single nucleotide variant.
Coding change: c.2380A>C on transcript NM_001353694.2 (MANE Select); coding-DNA position 2380, A replaced by C.
Protein change: p.Ile794Leu; replaces isoleucine 794 with leucine.
Molecular consequence: missense variant.
Genome position (GRCh38, 1-based): chr21:31,210,053, T>G on the plus strand (A>C on the coding strand, the complement: TIAM1 is on the minus strand). VCF-style: chr21-31210053-T-G. GRCh37 (hg19) VCF-style: chr21-32582369-T-G.
Other names: c.2380A>C, p.Ile794Leu (NM_001353691.1, NM_001353692.1, NM_001353693.1 and 5 more transcripts); c.2305A>C, p.Ile769Leu (NM_001353687.2); short protein forms I769L, I794L.
Identifiers: ClinVar variation 4886195 (VCV004886195.2).

ClinVar aggregate classification (germline): Uncertain significance (1 of 4 stars; one submission).

Submission:

Dasa
Classification: Uncertain significance. Last evaluated: 2026-03-20. Review status: criteria provided, single submitter. Criteria: DASA Assertion Criteria. Collection method: clinical testing. Allele origin: germline.
Comment: NM_001353694.2(TIAM1):c.2380A>C (p.Ile794Leu) is a missense variant that results in the substitution of isoleucine with leucine. This variant is rare in population databases. Computational prediction algorithms are consistent with a benign effect. The currently available literature and clinical evidence are not sufficient to establish a definitive association between this variant and the reported condition. Therefore, this variant is classified as a variant of uncertain significance.